The following is an entry in ClinVar:

ClinVar aggregate classification (germline): Pathogenic/Likely pathogenic. Review status: criteria provided, multiple submitters, no conflicts (2 of 4 stars). 7 submissions from 7 submitters: Pathogenic (4); Likely pathogenic (2). 1 of the submissions does not count toward it. Last evaluated 2026-01-14.

Conditions:
ALPL-related disorder. Also called: ALPL-related condition; ALPL-related disorders.
Adult hypophosphatasia. Identifiers: Orphanet 247676, Orphanet 436, MedGen C0268413, MONDO:1010154, OMIM 146300, MONDO:0007798.
Childhood hypophosphatasia. Identifiers: Orphanet 247667, Orphanet 436, MedGen C0220743, MONDO:1010168, OMIM 241510, MONDO:0009428.
Infantile hypophosphatasia. Identifiers: Orphanet 247651, Orphanet 436, MedGen C0268412, MONDO:1010169, OMIM 241500, MONDO:0009427.
Hypophosphatasia. Also called: Phosphoethanol-aminuria. Identifiers: Orphanet 436, MedGen C0020630, MeSH D007014, MONDO:0018570.

Allele frequency attached by ClinVar (database versions not stated): gnomAD exomes below 0.00001 and 0.00001; ExAC 0.00001; gnomAD 0.00001; TOPMed 0.00001.
gnomAD v4.1: 8 of 1,613,148 alleles (0.0005%); highest among the groups gnomAD compares: African/African-American, 0.0013%; no homozygotes.

Submissions (7):

Labcorp Genetics (formerly Invitae), Labcorp
Classification: Pathogenic. Last evaluated: 2026-01-14. Review status: criteria provided, single submitter. Criteria: Invitae Variant Classification Sherloc (09022015). Collection method: clinical testing. Allele origin: germline.
Comment: This sequence change replaces isoleucine, which is neutral and non-polar, with threonine, which is neutral and polar, at codon 72 of the ALPL protein (p.Ile72Thr). This variant is present in population databases (rs781264043, gnomAD 0.0009%). This missense change has been observed in individual(s) with clinical features of hypophosphatasia (PMID: 19500388, 22397652; internal data). In at least one individual the data is consistent with being in trans (on the opposite chromosome) from a pathogenic variant. ClinVar contains an entry for this variant (Variation ID: 188928). Invitae Evidence Modeling of protein sequence and biophysical properties (such as structural, functional, and spatial information, amino acid conservation, physicochemical variation, residue mobility, and thermodynamic stability) indicates that this missense variant is expected to disrupt ALPL protein function with a positive predictive value of 95%. Experimental studies have shown that this missense change affects ALPL function (PMID: 19500388). For these reasons, this variant has been classified as Pathogenic.

Genomenon, Inc
Classification: Pathogenic for Hypophosphatasia. Last evaluated: 2025-08-29. Review status: criteria provided, single submitter. Criteria: Genomenon Sequence Variant Interpretation Standards. Collection method: curation. Allele origin: germline. Affected: yes.
Comment: ALPL c.215T>C is a missense variant that changes the amino acid at residue 72 from Isoleucine to Threonine. This variant has been observed in at least one proband affected with hypophosphatasia (PMID:19500388;22397652). At least one functional study has demonstrated a substantial alteration in protein function relative to the wild-type (PMID:19500388). It is absent or not present at a significant frequency in gnomAD. In silico models agree that this variant is possibly or probably damaging. In conclusion, we classify ALPL p.Ile72Thr (c.215T>C) as a pathogenic variant.

PreventionGenetics, part of Exact Sciences
Classification: Pathogenic for ALPL-related condition. Last evaluated: 2025-08-14. Review status: criteria provided, single submitter. Criteria: ACMG Guidelines, 2015. Collection method: clinical testing. Allele origin: germline.
Comment: The ALPL c.215T>C variant is predicted to result in the amino acid substitution p.Ile72Thr. This variant in the heterozygous state has been reported in one patient affected with odontohypophosphatasia (Fauvert et al. 2009. PubMed ID: 19500388), and in the compound heterozygous state, this variant was found in a patient affected with perinatal hypophosphatasia (Whyte et al. 2012. PubMed ID: 22397652). In addition, a different variant affecting the same amino acid (p.Ile72Val) has been reported in one individual with hypophosphatasia (Glotov et al. 2022. PubMed ID: 36361766). This variant is reported in 0.00089% of alleles in individuals of European (Non-Finnish) descent in gnomAD. At PreventionGenetics, we have observed this variant in several unrelated individuals tested for ALPL (internal data). In summary, this variant is interpreted as pathogenic.

Women's Health and Genetics/Laboratory Corporation of America, LabCorp
Classification: Pathogenic for Hypophosphatasia. Last evaluated: 2025-07-15. Review status: criteria provided, single submitter. Criteria: LabCorp Variant Classification Summary - May 2015. Collection method: clinical testing. Allele origin: germline.
Comment: Variant summary: ALPL c.215T>C (p.Ile72Thr) results in a non-conservative amino acid change in the encoded protein sequence. Algorithms developed to predict the effect of missense changes on protein structure and function all suggest that this variant is likely to be disruptive. The variant allele was found at a frequency of 4e-06 in 248916 control chromosomes. c.215T>C has been observed in the compound heterozygous and heterozygous state in individuals affected with Hypophosphatasia (Whyte_2012, Fauvert_2009, Desborough_2021, Rush_2022). These data indicate that the variant is likely to be associated with disease. At least one publication reports experimental evidence evaluating an impact on protein function. The most pronounced variant effect results in 5% of normal activity and 40% dominant negative effect compared to wildtype (Fauvert_2009). The following publications have been ascertained in the context of this evaluation (PMID: 33301960, 19500388, 34633109, 22397652). ClinVar contains an entry for this variant (Variation ID: 188928). Based on the evidence outlined above, the variant was classified as pathogenic for autosomal dominant and autosomal recessive hypophosphatemia.

Fulgent Genetics
Classification: Likely pathogenic for Adult hypophosphatasia; Infantile hypophosphatasia; Childhood hypophosphatasia. Last evaluated: 2024-03-21. Review status: criteria provided, single submitter. Criteria: ACMG Guidelines, 2015. Collection method: clinical testing. Allele origin: germline.

Baylor Genetics
Classification: Likely pathogenic for Adult hypophosphatasia. Last evaluated: 2022-02-14. Review status: criteria provided, single submitter. Criteria: ACMG Guidelines, 2015. Collection method: clinical testing. Allele origin: unknown.

Counsyl
Classification: Likely pathogenic for Infantile hypophosphatasia. Last evaluated: 2014-08-21. Review status: no assertion criteria provided. Collection method: literature only. Allele origin: unknown. Inheritance: Autosomal recessive inheritance. Not counted in ClinVar's aggregate classification.

Literature cited by the submitters: PubMed 19500388 (cited by 4 submitters); PubMed 22397652 (cited by 4 submitters); PubMed 34633109 (cited by Women's Health and Genetics/Laboratory Corporation of America, LabCorp); PubMed 33301960 (cited by Women's Health and Genetics/Laboratory Corporation of America, LabCorp).

NM_000478.6(ALPL):c.215T>C (p.Ile72Thr)

Gene: ALPL (alkaline phosphatase, biomineralization associated; plus strand). Cytogenetic location: 1p36.12.
Variant type: single nucleotide variant.
Coding change: c.215T>C on transcript NM_000478.6 (MANE Select); coding-DNA position 215, T replaced by C.
Protein change: p.Ile72Thr; replaces isoleucine 72 with threonine.
Molecular consequence: missense variant. On other transcripts: intron variant (1).
Genome position (GRCh38, 1-based): chr1:21,561,130, T>C. VCF-style: chr1-21561130-T-C. GRCh37 (hg19) VCF-style: chr1-21887623-T-C.
Other names: c.50T>C, p.Ile17Thr (NM_001127501.4); c.215T>C, p.Ile72Thr (NM_001369803.2, NM_001369804.2, NM_001369805.2); c.66+385T>C (NM_001177520.3); short protein forms I72T, I17T.
Identifiers: ClinVar variation 188928 (VCV000188928.18), dbSNP rs781264043, ClinGen allele CA274142.
Genomic context (GRCh38, chr1:21,561,130, plus strand): 5'-GACTGAGGCCCCCACTCCCCACTGCAGGGATGGGTGTCTCCACAGTGACGGCTGCCCGCA[T>C]CCTCAAGGGTCAGCTCCACCACAACCCTGGGGAGGAGACCAGGCTGGAGATGGACAAGTT-3'
Protein context (NP_000469.3, residues 62-82): MGVSTVTAAR[Ile72Thr]LKGQLHHNPG